The following is an entry in ClinVar:

NM_014336.5(AIPL1):c.277-14G>A

Gene: AIPL1 (AIP like 1 HSP90 co-chaperone; minus strand). Cytogenetic location: 17p13.2.
Variant type: single nucleotide variant.
Coding change: c.277-14G>A on transcript NM_014336.5 (MANE Select); 14 bases into the intron before coding-DNA position 277, G replaced by A.
Molecular consequence: intron variant.
Genome position (GRCh38, 1-based): chr17:6,428,520, C>T on the plus strand (G>A on the coding strand, the complement: AIPL1 is on the minus strand). VCF-style: chr17-6428520-C-T. GRCh37 (hg19) VCF-style: chr17-6331840-C-T.
Other names: c.97-14G>A (NM_001033055.3); c.211-14G>A (NM_001285400.3); c.241-14G>A (NM_001285399.3); c.277-1463G>A (NM_001033054.3); c.277-14G>A (NM_001285401.3, NM_001285403.4); c.160-14G>A (NM_001285402.2).
Identifiers: ClinVar variation 99797 (VCV000099797.17), dbSNP rs117749485, ClinGen allele CA227877.

ClinVar aggregate classification (germline): Benign/Likely benign. Review status: criteria provided, multiple submitters, no conflicts (2 of 4 stars). 6 submissions from 5 submitters: Benign (2); Likely benign (3). 1 of the submissions does not count toward it. Last evaluated 2026-02-04.

Conditions:
Retinitis pigmentosa (RP). Identifiers: Orphanet 791, MedGen C0035334, MeSH D012174, MONDO:0019200, OMIM 268000. Inheritance: Autosomal dominant, autosomal recessive and X linked inheritance.
Leber congenital amaurosis 4 (LCA4). Identifiers: MedGen C1858386, MONDO:0011458, OMIM 604393.

Allele frequency attached by ClinVar (database versions not stated): ESP Exome Variant Server 0.00100; gnomAD 0.00585 and 0.00667; TOPMed 0.01029; ExAC 0.01129; gnomAD exomes 0.01310; 1000 Genomes Project 0.01657; 1000 Genomes Project 30x 0.01718.
gnomAD v4.1: 6,287 of 1,612,756 alleles (0.39%); highest among the groups gnomAD compares: East Asian, 5.3%; 184 homozygotes.

Submissions (6):

Labcorp Genetics (formerly Invitae), Labcorp
Classification: Benign for Leber congenital amaurosis 4. Last evaluated: 2026-02-04. Review status: criteria provided, single submitter. Criteria: Invitae Variant Classification Sherloc (09022015). Collection method: clinical testing. Allele origin: germline.

GeneDx
Classification: Benign. Last evaluated: 2018-11-07. Review status: criteria provided, single submitter. Criteria: GeneDx Variant Classification Process June 2021. Collection method: clinical testing. Allele origin: germline. Affected: yes.

Illumina Laboratory Services, Illumina
Classification: Likely benign for Leber congenital amaurosis 4. Last evaluated: 2017-04-27. Review status: criteria provided, single submitter. Criteria: ICSL Variant Classification Criteria 13 December 2019. Collection method: clinical testing. Allele origin: germline.
Comment: This variant was observed as part of a predisposition screen in an ostensibly healthy population. A literature search was performed for the gene, cDNA change, and amino acid change (where applicable). Publications were found based on this search. The evidence from the literature, in combination with allele frequency data from public databases where available, was sufficient to determine this variant is unlikely to cause disease. Therefore, this variant is classified as likely benign.

Illumina Laboratory Services, Illumina
Classification: Likely benign for Retinitis pigmentosa. Last evaluated: 2017-04-27. Review status: criteria provided, single submitter. Criteria: ICSL Variant Classification Criteria 13 December 2019. Collection method: clinical testing. Allele origin: germline.
Comment: This variant was observed as part of a predisposition screen in an ostensibly healthy population. A literature search was performed for the gene, cDNA change, and amino acid change (where applicable). No publications were found based on this search. Allele frequency data from public databases allowed determination this variant is unlikely to cause disease. Therefore, this variant is classified as likely benign.

Breakthrough Genomics
Classification: Likely benign. Review status: criteria provided, single submitter. Criteria: ACMG Guidelines, 2015. Collection method: not provided. Allele origin: germline. Inheritance: Autosomal recessive inheritance. Affected: yes.

Retina International
No classification provided. Review status: no classification provided. Collection method: not provided. Allele origin: not provided. Not counted in ClinVar's aggregate classification.

Literature cited by the submitters: PubMed 18682808 (cited by Illumina Laboratory Services, Illumina); PubMed 14611946 (cited by Illumina Laboratory Services, Illumina).